The following is an entry in ClinVar:

ClinVar aggregate classification (germline): Benign/Likely benign. Review status: criteria provided, multiple submitters, no conflicts (2 of 4 stars). 3 submissions from 3 submitters: Benign (1); Likely benign (2). Last evaluated 2026-01-25.

Conditions:
Loeys-Dietz syndrome 2 (LDS2). Also called: TGFBR2-Related Loeys-Dietz Syndrome; AORTIC ANEURYSM, FAMILIAL THORACIC 3; MARFAN SYNDROME, TYPE II; Marfan syndrome, type 2 (formerly); Marfan Syndrome type 2; Marfan like connective tissue disorder. Identifiers: Orphanet 284973, Orphanet 558, MedGen C2674574, MONDO:0012427, OMIM 610168.

Allele frequency attached by ClinVar (database versions not stated): gnomAD exomes 0.00001 and 0.00002; ExAC 0.00005; gnomAD 0.00008 and 0.00009; TOPMed 0.00012; ESP Exome Variant Server 0.00015; 1000 Genomes Project 30x 0.00016; 1000 Genomes Project 0.00020.
gnomAD v4.1: 27 of 1,613,858 alleles (0.0017%); highest among the groups gnomAD compares: African/African-American, 0.029%; 1 homozygote.

Submissions (3):

Labcorp Genetics (formerly Invitae), Labcorp
Classification: Likely benign for Loeys-Dietz syndrome 2. Last evaluated: 2026-01-25. Review status: criteria provided, single submitter. Criteria: Invitae Variant Classification Sherloc (09022015). Collection method: clinical testing. Allele origin: germline.

Ambry Genetics
Classification: Likely benign. Last evaluated: 2022-04-09. Review status: criteria provided, single submitter. Criteria: Ambry Variant Classification Scheme 2023. Collection method: clinical testing. Allele origin: germline.

Women's Health and Genetics/Laboratory Corporation of America, LabCorp
Classification: Benign. Last evaluated: 2018-11-12. Review status: criteria provided, single submitter. Criteria: LabCorp Variant Classification Summary - May 2015. Collection method: clinical testing. Allele origin: germline.
Comment: Variant summary: TMPO c.1968G>A alters a non-conserved nucleotide resulting in a synonymous change. 5/5 computational tools predict no significant impact on normal splicing. However, these predictions have yet to be confirmed by functional studies. The variant allele was found at a frequency of 4e-05 in 276744 control chromosomes, predominantly at a frequency of 0.00042 within the African subpopulation in the gnomAD database. The observed variant frequency within African control individuals in the gnomAD database is approximately 17-fold of the estimated maximal expected allele frequency for a pathogenic variant in TMPO causing Cardiomyopathy phenotype (2.5e-05), strongly suggesting that the variant is a benign polymorphism found primarily in populations of African origin. To our knowledge, no occurrence of c.1968G>A in individuals affected with Cardiomyopathy and no experimental evidence demonstrating its impact on protein function have been reported. One clinical diagnostic laboratory has submitted clinical-significance assessments for this variant to ClinVar after 2014 without evidence for independent evaluation and classified the variant as uncertain significance. Based on the evidence outlined above, the variant was classified as benign.

NM_001032283.3(TMPO):c.565+2387G>A

Gene: TMPO (thymopoietin; plus strand). Cytogenetic location: 12q23.1.
Variant type: single nucleotide variant.
Coding change: c.565+2387G>A on transcript NM_001032283.3 (MANE Select); 2387 bases into the intron after coding-DNA position 565, G replaced by A.
Molecular consequence: intron variant. On other transcripts: synonymous variant (1).
Genome position (GRCh38, 1-based): chr12:98,534,225, G>A. VCF-style: chr12-98534225-G-A. GRCh37 (hg19) VCF-style: chr12-98928003-G-A.
Other names: c.1968G>A, p.Lys656= (NM_003276.2); c.565+2387G>A (NM_001307975.2, NM_001032284.3).
Identifiers: ClinVar variation 469130 (VCV000469130.15), dbSNP rs201034441, ClinGen allele CA6732522.